The following is an entry in ClinVar:

NM_000937.5(POLR2A):c.961G>A (p.Glu321Lys)

Gene: POLR2A (RNA polymerase II subunit A; plus strand). Cytogenetic location: 17p13.1.
Variant type: single nucleotide variant.
Coding change: c.961G>A on transcript NM_000937.5 (MANE Select); coding-DNA position 961, G replaced by A.
Protein change: p.Glu321Lys; replaces glutamic acid 321 with lysine.
Molecular consequence: missense variant.
Genome position (GRCh38, 1-based): chr17:7,497,497, G>A. VCF-style: chr17-7497497-G-A. GRCh37 (hg19) VCF-style: chr17-7400816-G-A.
Other names: short protein forms E321K.
Identifiers: ClinVar variation 3369330 (VCV003369330.1).
Genomic context (GRCh38, chr17:7,497,497, plus strand): 5'-CATGTCATTGCAGAGGATGTGAAGCTCCTCCAGTTCCATGTGGCCACCATGGTGGACAAT[G>A]AGCTGCCTGGCTTGCCCCGTGTGAGTCAGCATGCTCCCCACCCCTCTGTGTATTGGAGCC-3'
Protein context (NP_000928.1, residues 311-331): QFHVATMVDN[Glu321Lys]LPGLPRAMQK

ClinVar aggregate classification (germline): Uncertain significance (1 of 4 stars; one submission).

Submission:

GeneDx
Classification: Uncertain significance. Last evaluated: 2024-03-13. Review status: criteria provided, single submitter. Criteria: GeneDx Variant Classification Process June 2021. Collection method: clinical testing. Allele origin: germline. Affected: yes.
Comment: Not observed at significant frequency in large population cohorts (gnomAD); In silico analysis supports that this missense variant has a deleterious effect on protein structure/function; Has not been previously published as pathogenic or benign to our knowledge